The following is an entry in ClinVar:

ClinVar aggregate classification (germline): Uncertain significance. Review status: criteria provided, multiple submitters, no conflicts (2 of 4 stars). 4 submissions from 4 submitters: Uncertain significance (4). Last evaluated 2026-02-11.

Conditions:
Fanconi anemia complementation group A (FANCA). Also called: Fanconi anemia, group A; FANCA-Related Fanconi Anemia. Identifiers: Orphanet 84, MedGen C3469521, MONDO:0009215, OMIM 227650.
Fanconi anemia (FA). Also called: Fanconi's anemia. Identifiers: Orphanet 84, MedGen C0015625, MeSH D005199, MONDO:0019391.

gnomAD v4.1: 18 of 1,551,144 alleles (0.0012%); highest among the groups gnomAD compares: Middle Eastern, 0.034%; no homozygotes.

Submissions (4):

St. Jude Molecular Pathology, St. Jude Children's Research Hospital
Classification: Uncertain significance for Fanconi anemia complementation group A. Last evaluated: 2026-02-11. Review status: criteria provided, single submitter. Criteria: St. Jude Assertion Criteria 2020. Collection method: clinical testing. Allele origin: germline.
Comment: The FANCA c.3961C>A p.(Arg1321Ser) missense change has a maximum subpopulation frequency of 0.004% in gnomAD v2.1.1. The in silico tool REVEL is inconclusive about a pathogenic or benign effect of this variant on protein function, and to our knowledge functional studies have not been performed. To our knowledge, this variant has not been reported in individuals with Fanconi anemia. In summary, the evidence currently available is insufficient to determine the clinical significance of this variant. It has therefore been classified as of uncertain significance.

Labcorp Genetics (formerly Invitae), Labcorp
Classification: Uncertain significance for Fanconi anemia. Last evaluated: 2025-01-20. Review status: criteria provided, single submitter. Criteria: Invitae Variant Classification Sherloc (09022015). Collection method: clinical testing. Allele origin: germline.
Comment: This sequence change replaces arginine, which is basic and polar, with serine, which is neutral and polar, at codon 1321 of the FANCA protein (p.Arg1321Ser). This variant is present in population databases (rs755375493, gnomAD 0.004%). This variant has not been reported in the literature in individuals affected with FANCA-related conditions. ClinVar contains an entry for this variant (Variation ID: 1319247). Invitae Evidence Modeling of protein sequence and biophysical properties (such as structural, functional, and spatial information, amino acid conservation, physicochemical variation, residue mobility, and thermodynamic stability) indicates that this missense variant is not expected to disrupt FANCA protein function with a negative predictive value of 95%. In summary, the available evidence is currently insufficient to determine the role of this variant in disease. Therefore, it has been classified as a Variant of Uncertain Significance.

Blueprint Genetics
Classification: Uncertain significance. Last evaluated: 2024-08-08. Review status: criteria provided, single submitter. Criteria: ACMG Guidelines, 2015. Collection method: clinical testing. Allele origin: germline.

Institute for Clinical Genetics, University Hospital TU Dresden, University Hospital TU Dresden
Classification: Uncertain significance. Last evaluated: 2021-11-03. Review status: criteria provided, single submitter. Criteria: ACMG Guidelines, 2015. Collection method: clinical testing. Allele origin: germline.

NM_000135.4(FANCA):c.3961C>A (p.Arg1321Ser)

Genes: FANCA (FA complementation group A; minus strand), ZNF276 (zinc finger protein 276; plus strand). Cytogenetic location: 16q24.3.
Variant type: single nucleotide variant.
Coding change: c.3961C>A on transcript NM_000135.4 (MANE Select); coding-DNA position 3961, C replaced by A.
Protein change: p.Arg1321Ser; replaces arginine 1321 with serine.
Molecular consequence: missense variant. On other transcripts: 3 prime UTR variant (2), non-coding transcript variant (4).
Genome position (GRCh38, 1-based): chr16:89,739,527, G>T on the plus strand (C>A on the coding strand, the complement: FANCA is on the minus strand). VCF-style: chr16-89739527-G-T. GRCh37 (hg19) VCF-style: chr16-89805935-G-T.
Other names: c.3961C>A, p.Arg1321Ser (NM_001286167.3); c.*1281G>T (NM_001113525.2, NM_152287.4); short protein forms R1321S.
Identifiers: ClinVar variation 1319247 (VCV001319247.9), dbSNP rs755375493, ClinGen allele CA286617249.